The following is an entry in ClinVar:

NM_001317778.2(SFTPC):c.576G>C (p.Ter192Tyr)

Gene: SFTPC (surfactant protein C; plus strand). Cytogenetic location: 8p21.3.
Variant type: single nucleotide variant.
Coding change: c.576G>C on transcript NM_001317778.2 (MANE Select); coding-DNA position 576, G replaced by C.
Protein change: p.Ter192Tyr.
Molecular consequence: stop lost.
Genome position (GRCh38, 1-based): chr8:22,164,041, G>C. VCF-style: chr8-22164041-G-C. GRCh37 (hg19) VCF-style: chr8-22021554-G-C.
Other names: c.576G>C, p.Ter192Tyr (NM_001172357.2, NM_001317780.2, NM_001385656.1 and 3 more transcripts); c.594G>C, p.Ter198Tyr (NM_001172410.2, NM_001385653.1, NM_001385654.1 and 2 more transcripts); c.435G>C, p.Ter145Tyr (NM_001317779.2, NM_001385660.1).
Identifiers: ClinVar variation 4055907 (VCV004055907.1).

ClinVar aggregate classification (germline): Uncertain significance (1 of 4 stars; one submission).

gnomAD v4.1: 10 of 1,611,780 alleles (0.00062%); highest among the groups gnomAD compares: African/African-American, 0.012%; no homozygotes.

Submission:

GeneDx
Classification: Uncertain significance. Last evaluated: 2024-12-30. Review status: criteria provided, single submitter. Criteria: GeneDx Variant Classification Process June 2021. Collection method: clinical testing. Allele origin: germline. Affected: yes.
Comment: Not observed at significant frequency in large population cohorts (gnomAD); Stop codon loss and change to a tyrosine codon, leading to protein extension and the addition of 70 amino acids at the C-terminus; Has not been previously published as pathogenic or benign to our knowledge